The following is an entry in ClinVar:

ClinVar aggregate classification (germline): Pathogenic (1 of 4 stars; one submission).

Conditions:
von Willebrand disease type 1 (VWD1). Also called: VWD, TYPE 1; VON WILLEBRAND DISEASE, TYPE I. Identifiers: Orphanet 166078, Orphanet 903, MedGen C1264039, MONDO:0008668, OMIM 193400. Inheritance: autosomal recessive or autosomal dominant.

gnomAD v4.1: 1 of 1,614,142 alleles (0.000062%); highest among the groups gnomAD compares: East Asian, 0.0022%; no homozygotes.

Submission:

3billion
Classification: Pathogenic for von Willebrand disease type 1. Last evaluated: 2025-12-30. Review status: criteria provided, single submitter. Criteria: ACMG Guidelines, 2015. Collection method: clinical testing. Allele origin: germline. Affected: yes.
Comment: The variant is observed at an extremely low frequency in the gnomAD v4.1.0 dataset (total allele frequency: <0.001%). Predicted Consequence/Location: Canonical splice site: predicted to alter splicing and result in a loss or disruption of normal protein function. Multiple pathogenic loss-of-function variants are reported downstream of the variant. In silico tools predict the variant to alter splicing and produce an abnormal transcript [SpliceAI: 0.92 (spliceogenicity >=0.2, non-spliceogenicity <0.1)]. The variant has been reported to be associated with VWF-related disorder (PMID: 28916584). Therefore, this variant is classified as Pathogenic according to the recommendation of ACMG/AMP guideline.

Literature cited by the submitters: PubMed 28916584.

NM_000552.5(VWF):c.7770+1G>A

Gene: VWF (von Willebrand factor; minus strand). Cytogenetic location: 12p13.31.
Variant type: single nucleotide variant.
Coding change: c.7770+1G>A on transcript NM_000552.5 (MANE Select); the canonical splice donor site of the intron after coding-DNA position 7770, G replaced by A.
Molecular consequence: splice donor variant.
Genome position (GRCh38, 1-based): chr12:5,968,126, C>T on the plus strand (G>A on the coding strand, the complement: VWF is on the minus strand). VCF-style: chr12-5968126-C-T. GRCh37 (hg19) VCF-style: chr12-6077292-C-T.
Identifiers: ClinVar variation 4856105 (VCV004856105.1).